The following is an entry in ClinVar:

ClinVar aggregate classification (germline): Likely benign. Review status: criteria provided, multiple submitters, no conflicts (2 of 4 stars). 3 submissions from 3 submitters: Likely benign (3). Last evaluated 2024-12-31.

Conditions:
Hereditary cancer-predisposing syndrome. Also called: Hereditary Cancer Syndrome; Neoplastic Syndromes, Hereditary; Tumor predisposition; Hereditary neoplastic syndrome. Identifiers: Orphanet 140162, MedGen C0027672, MeSH D009386, MONDO:0015356.
BAP1-related tumor predisposition syndrome (TPDS1). Also called: Tumor susceptibility linked to germline BAP1 mutations; BAP1 tumor predisposition syndrome; COMMON Syndrome; TUMOR PREDISPOSITION SYNDROME 1. Identifiers: Orphanet 289539, MedGen C3280492, MONDO:0013692, OMIM 614327.

gnomAD v4.1: 1 of 1,613,956 alleles (0.000062%); highest among the groups gnomAD compares: Non-Finnish European, 0.000085%; no homozygotes.

Submissions (3):

Labcorp Genetics (formerly Invitae), Labcorp
Classification: Likely benign for BAP1-related tumor predisposition syndrome. Last evaluated: 2024-12-31. Review status: criteria provided, single submitter. Criteria: Invitae Variant Classification Sherloc (09022015). Collection method: clinical testing. Allele origin: germline.

Myriad Genetics, Inc.
Classification: Likely benign for BAP1-related tumor predisposition syndrome. Last evaluated: 2024-07-12. Review status: criteria provided, single submitter. Criteria: Myriad Autosomal Dominant, Autosomal Recessive and X-Linked Classification Criteria (2023). Collection method: clinical testing. Allele origin: unknown.
Comment: This variant is considered likely benign. This variant is intronic and is not expected to impact mRNA splicing.

Color Diagnostics, LLC DBA Color Health
Classification: Likely benign for Hereditary cancer-predisposing syndrome. Last evaluated: 2016-09-23. Review status: criteria provided, single submitter. Criteria: ACMG Guidelines, 2015. Collection method: clinical testing. Allele origin: germline.

NM_004656.4(BAP1):c.376-16A>G

Gene: BAP1 (BRCA1 associated deubiquitinase 1; minus strand). Cytogenetic location: 3p21.1.
Variant type: single nucleotide variant.
Coding change: c.376-16A>G on transcript NM_004656.4 (MANE Select); 16 bases into the intron before coding-DNA position 376, A replaced by G.
Molecular consequence: intron variant.
Genome position (GRCh38, 1-based): chr3:52,407,476, T>C on the plus strand (A>G on the coding strand, the complement: BAP1 is on the minus strand). VCF-style: chr3-52407476-T-C. GRCh37 (hg19) VCF-style: chr3-52441492-T-C.
Identifiers: ClinVar variation 490864 (VCV000490864.6), dbSNP rs967185176, ClinGen allele CA74743819.
Genomic context (GRCh38, chr3:52,407,476, plus strand): 5'-GGCCTTGGCCAACTCCGGGGCATTGCCAATCGCATATCCTTTGCTCTACGGGGAAGAAAA[T>C]AAGGCCGTATCAGAATAATTTCTCCTCAGGTAGGACTATGGGTGGAAGGCAAAGCTTCAG-3'